The following is an entry in ClinVar:

NM_001009944.3(PKD1):c.7589G>A (p.Gly2530Asp)

Gene: PKD1 (polycystin 1, transient receptor potential channel interacting; minus strand). Cytogenetic location: 16p13.3.
Variant type: single nucleotide variant.
Coding change: c.7589G>A on transcript NM_001009944.3 (MANE Select); coding-DNA position 7589, G replaced by A.
Protein change: p.Gly2530Asp; replaces glycine 2530 with aspartic acid.
Molecular consequence: missense variant.
Genome position (GRCh38, 1-based): chr16:2,106,205, C>T on the plus strand (G>A on the coding strand, the complement: PKD1 is on the minus strand). VCF-style: chr16-2106205-C-T. GRCh37 (hg19) VCF-style: chr16-2156206-C-T.
Other names: c.7589G>A, p.Gly2530Asp (NM_000296.4); short protein forms G2530D.
Identifiers: ClinVar variation 3382314 (VCV003382314.3).

ClinVar aggregate classification (germline): Uncertain significance. Review status: criteria provided, multiple submitters, no conflicts (2 of 4 stars). 2 submissions from 2 submitters: Uncertain significance (2). Last evaluated 2025-11-17.

Conditions:
Polycystic kidney disease, adult type (PKD1). Also called: POLYCYSTIC KIDNEY DISEASE, ADULT, TYPE I; Polycystic Kidney Disease 1, Autosomal Dominant; Polycystic kidney disease 1; Polycystic kidney disease 1, severe; Polycystic Kidney, Autosomal Dominant; POLYCYSTIC KIDNEY DISEASE 1 WITH OR WITHOUT POLYCYSTIC LIVER DISEASE. Identifiers: MedGen C3149841, MONDO:0008263, OMIM 173900.

Submissions (2):

Women's Health and Genetics/Laboratory Corporation of America, LabCorp
Classification: Uncertain significance. Last evaluated: 2025-11-17. Review status: criteria provided, single submitter. Criteria: LabCorp Variant Classification Summary - May 2015. Collection method: clinical testing. Allele origin: germline.
Comment: Variant summary: PKD1 c.7589G>A (p.Gly2530Asp) results in a non-conservative amino acid change in the encoded protein sequence. Algorithms developed to predict the effect of missense changes on protein structure and function all suggest that this variant is likely to be disruptive. The frequency data for this variant in gnomAD is considered unreliable, as metrics indicate poor data quality at this position. c.7589G>A has been observed in at least one individual affected with Autosomal Dominant Polycystic Kidney Disease 1 (Rossetti_2012, He_2018). These data do not allow any conclusion about variant significance. To our knowledge, no experimental evidence demonstrating an impact on protein function has been reported. The following publications have been ascertained in the context of this evaluation (PMID: 30333007, 37509056, 22383692). ClinVar contains an entry for this variant (Variation ID: 3382314). Based on the evidence outlined above, the variant was classified as uncertain significance.

Juno Genomics, Hangzhou Juno Genomics, Inc
Classification: Uncertain significance for Polycystic kidney disease, adult type. Review status: criteria provided, single submitter. Criteria: ACMG Guidelines, 2015. Collection method: clinical testing. Allele origin: germline. Affected: yes.
Comment: Absent from controls (or at extremely low frequency if recessive) in Genome Aggregation Database, Exome Sequencing Project, 1000 Genomes Project, or Exome Aggregation Consortium.;Multiple lines of computational evidence support a deleterious effect on the gene or gene product (conservation, evolutionary, splicing impact, etc).;The prevalence of the variant in affected individuals is significantly increased compared to the prevalence in controls.;Patient's phenotype or family history is highly specific for a disease with a single genetic etiology.

Literature cited by the submitters: PubMed 22383692 (cited by Women's Health and Genetics/Laboratory Corporation of America, LabCorp); PubMed 37509056 (cited by Women's Health and Genetics/Laboratory Corporation of America, LabCorp); PubMed 30333007 (cited by Women's Health and Genetics/Laboratory Corporation of America, LabCorp).